The following is an entry in ClinVar:

NM_000397.4(CYBB):c.1609T>C (p.Cys537Arg)

Gene: CYBB (cytochrome b-245 beta chain; plus strand). Cytogenetic location: Xp11.4.
Variant type: single nucleotide variant.
Coding change: c.1609T>C on transcript NM_000397.4 (MANE Select); coding-DNA position 1609, T replaced by C.
Protein change: p.Cys537Arg; replaces cysteine 537 with arginine.
Molecular consequence: missense variant.
Genome position (GRCh38, 1-based): chrX:37,810,813, T>C. VCF-style: chrX-37810813-T-C. GRCh37 (hg19) VCF-style: chrX-37670066-T-C.
Other names: short protein forms C537R.
Identifiers: ClinVar variation 68386 (VCV000068386.11), dbSNP rs151344454, ClinGen allele CA219704.
Genomic context (GRCh38, chrX:37,810,813, plus strand): 5'-CAAAGCTTGAAATTGTCTTTTTTTTTCTTTCCCAAAAGTACCAGAATAGGAGTTTTCCTC[T>C]GTGGACCTGAAGCCTTGGCTGAAACCCTGAGTAAACAAAGCATCTCCAACTCTGAGTCTG-3'
Protein context (NP_000388.2, residues 527-547): HPNTRIGVFL[Cys537Arg]GPEALAETLS

ClinVar aggregate classification (germline): Pathogenic. Review status: criteria provided, multiple submitters, no conflicts (2 of 4 stars). 4 submissions from 4 submitters: Pathogenic (3). 1 of the submissions does not count toward it. Last evaluated 2023-09-19.

Conditions:
Granulomatous disease, chronic, X-linked. Also called: CYTOCHROME b-NEGATIVE GRANULOMATOUS DISEASE, CHRONIC, X-LINKED; GRANULOMATOUS DISEASE, CHRONIC, X-LINKED, SOMATIC MOSAIC. Identifiers: Orphanet 379, MedGen C1844376, MONDO:0010600, OMIM 306400.

Submissions (4):

GeneDx
Classification: Pathogenic. Last evaluated: 2023-09-19. Review status: criteria provided, single submitter. Criteria: GeneDx Variant Classification Process June 2021. Collection method: clinical testing. Allele origin: germline. Affected: yes.
Comment: Published functional studies demonstrate the variant nearly abolishes NADPH oxidase activity and leads to steric conflicts likely incompatible with NADPH orientation (Debeurme et al., 2010); Not observed at significant frequency in large population cohorts (gnomAD); In silico analysis supports that this missense variant has a deleterious effect on protein structure/function; This variant is associated with the following publications: (PMID: 21190454, 12139950, 12589359, 26210446, 9585602, 20729109, 29560547, 34175765, 31172472, 35796921, 28168067, 22540226, 30506560, 20724480)

Labcorp Genetics (formerly Invitae), Labcorp
Classification: Pathogenic for Granulomatous disease, chronic, X-linked. Last evaluated: 2018-12-04. Review status: criteria provided, single submitter. Criteria: Invitae Variant Classification Sherloc (09022015). Collection method: clinical testing. Allele origin: germline.
Comment: This sequence change replaces cysteine with arginine at codon 537 of the CYBB protein (p.Cys537Arg). The cysteine residue is highly conserved and there is a large physicochemical difference between cysteine and arginine. This variant is not present in population databases (ExAC no frequency). This variant has been observed in several individuals affected with X-linked chronic granulomatous disease (PMID: 22540226, 28168067, 12589359, 9585602). This variant is also referred to as c.1621T>C in the literature. ClinVar contains an entry for this variant (Variation ID: 68386). This variant has been reported to affect CYBB protein function (PMID: 20724480). For these reasons, this variant has been classified as Pathogenic.

Women's Health and Genetics/Laboratory Corporation of America, LabCorp
Classification: Pathogenic for Granulomatous disease, chronic, X-linked. Last evaluated: 2017-03-30. Review status: criteria provided, single submitter. Criteria: LabCorp Variant Classification Summary - May 2015. Collection method: clinical testing. Allele origin: germline.
Comment: Variant summary: The CYBB c.1609T>C (p.Cys537Arg) variant located in the NADPH binding domain involves the alteration of a conserved nucleotide and 5/5 in silico tools predict a damaging outcome. Multiple functional studies, Jirapongsananuruk_2003, de Oliveria-Junior_2012, and Desbeurme_2010 indicate that the variant has a pathogenic effect on the protein, imparticular causing no detectable NADPH oxidase activity. The variant of interest was not observed in 86762 control chromosomes (ExAC) and multiple publications have cited the variant in affected individuals. Furthermore, multiple clinical diagnostic laboratories/reputable databases classified this variant as pathogenic. Taken together, this variant is classified as pathogenic.

UniProtKB/Swiss-Prot
No classification provided. Review status: no classification provided. Collection method: not provided. Allele origin: not provided. Not counted in ClinVar's aggregate classification.

Literature cited by the submitters: PubMed 22540226 (cited by Labcorp Genetics (formerly Invitae), Labcorp and Women's Health and Genetics/Laboratory Corporation of America, LabCorp); PubMed 28168067 (cited by Labcorp Genetics (formerly Invitae), Labcorp); PubMed 12589359 (cited by Labcorp Genetics (formerly Invitae), Labcorp and Women's Health and Genetics/Laboratory Corporation of America, LabCorp); PubMed 9585602 (cited by Labcorp Genetics (formerly Invitae), Labcorp and Women's Health and Genetics/Laboratory Corporation of America, LabCorp); PubMed 20724480 (cited by Labcorp Genetics (formerly Invitae), Labcorp and Women's Health and Genetics/Laboratory Corporation of America, LabCorp); PubMed 20729109 (cited by Women's Health and Genetics/Laboratory Corporation of America, LabCorp).